The following is an entry in ClinVar:

NM_030665.4(RAI1):c.3542G>C (p.Ser1181Thr)

Gene: RAI1 (retinoic acid induced 1; plus strand). Cytogenetic location: 17p11.2.
Variant type: single nucleotide variant.
Coding change: c.3542G>C on transcript NM_030665.4 (MANE Select); coding-DNA position 3542, G replaced by C.
Protein change: p.Ser1181Thr; replaces serine 1181 with threonine.
Molecular consequence: missense variant.
Genome position (GRCh38, 1-based): chr17:17,796,490, G>C. VCF-style: chr17-17796490-G-C. GRCh37 (hg19) VCF-style: chr17-17699804-G-C.
Other names: short protein forms S1181T.
Identifiers: ClinVar variation 2745081 (VCV002745081.3), dbSNP rs2508587534, ClinGen allele CA398554431.

ClinVar aggregate classification (germline): Uncertain significance (1 of 4 stars; one submission).

Submission:

Labcorp Genetics (formerly Invitae), Labcorp
Classification: Uncertain significance. Last evaluated: 2023-07-19. Review status: criteria provided, single submitter. Criteria: Invitae Variant Classification Sherloc (09022015). Collection method: clinical testing. Allele origin: germline.
Comment: This sequence change replaces serine, which is neutral and polar, with threonine, which is neutral and polar, at codon 1181 of the RAI1 protein (p.Ser1181Thr). This variant is not present in population databases (gnomAD no frequency). This variant has not been reported in the literature in individuals affected with RAI1-related conditions. Advanced modeling of protein sequence and biophysical properties (such as structural, functional, and spatial information, amino acid conservation, physicochemical variation, residue mobility, and thermodynamic stability) performed at Invitae indicates that this missense variant is not expected to disrupt RAI1 protein function. In summary, the available evidence is currently insufficient to determine the role of this variant in disease. Therefore, it has been classified as a Variant of Uncertain Significance.